The following is an entry in ClinVar:

NC_000010.10:g.(?_55849734)_(55849833_?)del

Gene: PCDH15 (protocadherin related 15; minus strand). Cytogenetic location: 10q21.1.
Variant type: Deletion.
Identifiers: ClinVar variation 2427109 (VCV002427109.3).

ClinVar aggregate classification (germline): Pathogenic (1 of 4 stars; one submission).

Submission:

Labcorp Genetics (formerly Invitae), Labcorp
Classification: Pathogenic. Last evaluated: 2022-05-05. Review status: criteria provided, single submitter. Criteria: Invitae Variant Classification Sherloc (09022015). Collection method: clinical testing. Allele origin: germline.
Comment: This variant is a gross deletion of the genomic region encompassing exon(s) 16 of the PCDH15 gene. This deletion is out-of-frame, and is expected to create a premature termination codon and result in an absent or disrupted protein product. Loss-of-function variants in PCDH15 are known to be pathogenic (PMID: 11398101, 11487575, 14570705). This variant has not been reported in the literature in individuals affected with PCDH15-related conditions. For these reasons, this variant has been classified as Pathogenic.

Literature cited by the submitters: PubMed 11398101; PubMed 11487575; PubMed 14570705.